The following is an entry in ClinVar:

ClinVar aggregate classification (germline): Conflicting classifications of pathogenicity. Review status: criteria provided, conflicting classifications (1 of 4 stars). 3 submissions from 3 submitters: Uncertain significance (2); Likely benign (1). Last evaluated 2024-06-06.

Conditions:
Nephronophthisis. Also called: Juvenile Nephronophthisis. Identifiers: Orphanet 655, MedGen C0687120, MONDO:0019005, HP:0000090.
Senior-Loken syndrome 5 (SLSN5). Identifiers: Orphanet 3156, MedGen C1836517, MONDO:0012225, OMIM 609254.

Allele frequency attached by ClinVar (database versions not stated): gnomAD exomes 0.00002 and 0.00003; TOPMed 0.00002; ExAC 0.00003; gnomAD 0.00003 and 0.00004.
gnomAD v4.1: 54 of 1,613,684 alleles (0.0033%); highest among the groups gnomAD compares: Non-Finnish European, 0.0042%; no homozygotes.

Submissions (3):

Fulgent Genetics
Classification: Uncertain significance for Senior-Loken syndrome 5. Last evaluated: 2024-06-06. Review status: criteria provided, single submitter. Criteria: ACMG Guidelines, 2015. Collection method: clinical testing. Allele origin: germline.

Blueprint Genetics
Classification: Likely benign. Last evaluated: 2024-03-02. Review status: criteria provided, single submitter. Criteria: ACMG Guidelines, 2015. Collection method: clinical testing. Allele origin: germline.

Labcorp Genetics (formerly Invitae), Labcorp
Classification: Uncertain significance for Nephronophthisis. Last evaluated: 2020-12-18. Review status: criteria provided, single submitter. Criteria: Invitae Variant Classification Sherloc (09022015). Collection method: clinical testing. Allele origin: germline.
Comment: This sequence change falls in intron 12 of the IQCB1 gene. It does not directly change the encoded amino acid sequence of the IQCB1 protein. It affects a nucleotide within the consensus splice site of the intron. This variant is present in population databases (rs760377282, ExAC 0.01%). This variant has not been reported in the literature in individuals with IQCB1-related conditions. Nucleotide substitutions within the consensus splice site are a relatively common cause of aberrant splicing (PMID: 17576681, 9536098). Algorithms developed to predict the effect of sequence changes on RNA splicing suggest that this variant is not likely to affect RNA splicing, but this prediction has not been confirmed by published transcriptional studies. In summary, the available evidence is currently insufficient to determine the role of this variant in disease. Therefore, it has been classified as a Variant of Uncertain Significance.

Literature cited by the submitters: PubMed 17576681 (cited by Labcorp Genetics (formerly Invitae), Labcorp); PubMed 9536098 (cited by Labcorp Genetics (formerly Invitae), Labcorp).

NM_001023570.4(IQCB1):c.1278+3G>A

Gene: IQCB1 (IQ motif containing B1; minus strand). Cytogenetic location: 3q13.33.
Variant type: single nucleotide variant.
Coding change: c.1278+3G>A on transcript NM_001023570.4 (MANE Select); 3 bases into the intron after coding-DNA position 1278, G replaced by A.
Molecular consequence: intron variant.
Genome position (GRCh38, 1-based): chr3:121,788,281, C>T on the plus strand (G>A on the coding strand, the complement: IQCB1 is on the minus strand). VCF-style: chr3-121788281-C-T. GRCh37 (hg19) VCF-style: chr3-121507128-C-T.
Other names: c.1278+3G>A (NM_001319107.2); c.879+3G>A (NM_001023571.4).
Identifiers: ClinVar variation 1369202 (VCV001369202.7), dbSNP rs760377282, ClinGen allele CA2567161.
Genomic context (GRCh38, chr3:121,788,281, plus strand): 5'-GTCAGTTTTGAACTCATGTTTTTGCCTCTTGATTCAGAGCTCTTTTCACTACATTAGACT[C>T]ACTGCTCTTTGAAGTGTGACAGCTGCTTTATACTCTATGAGAGACTGCCTCTGTTGGTGA-3'